The following is an entry in ClinVar:

NM_001211.6(BUB1B):c.548C>G (p.Ala183Gly)

Gene: BUB1B (BUB1 mitotic checkpoint serine/threonine kinase B; plus strand). Cytogenetic location: 15q15.1.
Variant type: single nucleotide variant.
Coding change: c.548C>G on transcript NM_001211.6 (MANE Select); coding-DNA position 548, C replaced by G.
Protein change: p.Ala183Gly; replaces alanine 183 with glycine.
Molecular consequence: missense variant.
Genome position (GRCh38, 1-based): chr15:40,176,640, C>G. VCF-style: chr15-40176640-C-G. GRCh37 (hg19) VCF-style: chr15-40468841-C-G.
Other names: short protein forms A183G.
Identifiers: ClinVar variation 1747838 (VCV001747838.2), dbSNP rs2542524322, ClinGen allele CA391681456.

ClinVar aggregate classification (germline): Uncertain significance (1 of 4 stars; one submission).

Conditions:
Inborn genetic diseases. Identifiers: MedGen C0950123, MeSH D030342.

Submission:

Ambry Genetics
Classification: Uncertain significance for Inborn genetic diseases. Last evaluated: 2021-10-21. Review status: criteria provided, single submitter. Criteria: Ambry Variant Classification Scheme 2023. Collection method: clinical testing. Allele origin: germline.
Comment: The p.A183G variant (also known as c.548C>G), located in coding exon 5 of the BUB1B gene, results from a C to G substitution at nucleotide position 548. The alanine at codon 183 is replaced by glycine, an amino acid with similar properties. This amino acid position is conserved. In addition, this alteration is predicted to be deleterious by in silico analysis. Since supporting evidence is limited at this time, the clinical significance of this alteration remains unclear.